The following is an entry in ClinVar:

ClinVar aggregate classification (germline): Uncertain significance. Review status: criteria provided, multiple submitters, no conflicts (2 of 4 stars). 2 submissions from 2 submitters: Uncertain significance (2). Last evaluated 2026-03-30.

gnomAD v4.1: 16 of 1,614,074 alleles (0.00099%); highest among the groups gnomAD compares: East Asian, 0.0022%; no homozygotes.

Submissions (2):

GeneDx
Classification: Uncertain significance. Last evaluated: 2026-03-30. Review status: criteria provided, single submitter. Criteria: GeneDx Variant Classification Process June 2021. Collection method: clinical testing. Allele origin: germline.
Comment: In silico analysis suggests that this missense variant does not alter protein structure/function; Has not been previously published as pathogenic or benign to our knowledge

Labcorp Genetics (formerly Invitae), Labcorp
Classification: Uncertain significance. Last evaluated: 2025-12-28. Review status: criteria provided, single submitter. Criteria: Invitae Variant Classification Sherloc (09022015). Collection method: clinical testing. Allele origin: germline.
Comment: This sequence change replaces serine, which is neutral and polar, with leucine, which is neutral and non-polar, at codon 1054 of the SRCAP protein (p.Ser1054Leu). This variant is present in population databases (rs764923105, gnomAD 0.002%). This variant has not been reported in the literature in individuals affected with SRCAP-related conditions. Invitae Evidence Modeling of protein sequence and biophysical properties (such as structural, functional, and spatial information, amino acid conservation, physicochemical variation, residue mobility, and thermodynamic stability) indicates that this missense variant is not expected to disrupt SRCAP protein function with a negative predictive value of 80%. In summary, the available evidence is currently insufficient to determine the role of this variant in disease. Therefore, it has been classified as a Variant of Uncertain Significance.

NM_006662.3(SRCAP):c.3161C>T (p.Ser1054Leu)

Gene: SRCAP (Snf2 related CREBBP activator protein; plus strand). Cytogenetic location: 16p11.2.
Variant type: single nucleotide variant.
Coding change: c.3161C>T on transcript NM_006662.3 (MANE Select); coding-DNA position 3161, C replaced by T.
Protein change: p.Ser1054Leu; replaces serine 1054 with leucine.
Molecular consequence: missense variant.
Genome position (GRCh38, 1-based): chr16:30,720,886, C>T. VCF-style: chr16-30720886-C-T. GRCh37 (hg19) VCF-style: chr16-30732207-C-T.
Other names: c.3161C>T (NM_006662.2); short protein forms S1054L.
Identifiers: ClinVar variation 4736959 (VCV004736959.2).